The following is an entry in ClinVar:

ClinVar aggregate classification (germline): Uncertain significance (1 of 4 stars; one submission).

Conditions:
Congenital muscular dystrophy due to integrin alpha-7 deficiency. Also called: MYOPATHY, CONGENITAL, DUE TO INTEGRIN ALPHA-7 DEFICIENCY; Congenital muscular dystrophy with integrin alpha-7 deficiency; Muscular dystrophy, congenital, due to ITGA7 deficiency. Identifiers: Orphanet 34520, MedGen C2750786, MONDO:0013177, OMIM 613204.

Allele frequency attached by ClinVar (database versions not stated): gnomAD 0.00001; gnomAD exomes 0.00001; TOPMed 0.00001.
gnomAD v4.1: 9 of 1,609,860 alleles (0.00056%); highest among the groups gnomAD compares: African/African-American, 0.0013%; no homozygotes.

Submission:

Labcorp Genetics (formerly Invitae), Labcorp
Classification: Uncertain significance for Congenital muscular dystrophy due to integrin alpha-7 deficiency. Last evaluated: 2022-03-03. Review status: criteria provided, single submitter. Criteria: Invitae Variant Classification Sherloc (09022015). Collection method: clinical testing. Allele origin: germline.
Comment: This sequence change replaces leucine, which is neutral and non-polar, with proline, which is neutral and non-polar, at codon 948 of the ITGA7 protein (p.Leu948Pro). This variant is present in population databases (no rsID available, gnomAD 0.01%). This variant has not been reported in the literature in individuals affected with ITGA7-related conditions. ClinVar contains an entry for this variant (Variation ID: 645761). Algorithms developed to predict the effect of missense changes on protein structure and function are either unavailable or do not agree on the potential impact of this missense change (SIFT: "Tolerated"; PolyPhen-2: "Probably Damaging"; Align-GVGD: "Class C0"). In summary, the available evidence is currently insufficient to determine the role of this variant in disease. Therefore, it has been classified as a Variant of Uncertain Significance.

NM_002206.3(ITGA7):c.2843T>C (p.Leu948Pro)

Gene: ITGA7 (integrin subunit alpha 7; minus strand). Cytogenetic location: 12q13.2.
Variant type: single nucleotide variant.
Coding change: c.2843T>C on transcript NM_002206.3 (MANE Select); coding-DNA position 2843, T replaced by C.
Protein change: p.Leu948Pro; replaces leucine 948 with proline.
Molecular consequence: missense variant.
Genome position (GRCh38, 1-based): chr12:55,692,845, A>G on the plus strand (T>C on the coding strand, the complement: ITGA7 is on the minus strand). VCF-style: chr12-55692845-A-G. GRCh37 (hg19) VCF-style: chr12-56086629-A-G.
Other names: c.2855T>C, p.Leu952Pro (NM_001144996.2); c.2564T>C, p.Leu855Pro (NM_001144997.2); c.2516T>C, p.Leu839Pro (NM_001367993.1); c.1499T>C, p.Leu500Pro (NM_001367994.1); c.2825T>C, p.Leu942Pro (NM_001374465.1); c.2975T>C, p.Leu992Pro (NM_001410977.1); c.2837T>C, p.Leu946Pro (NM_001414029.1); c.2768T>C, p.Leu923Pro (NM_001414030.1); and 5 more; short protein forms L500P, L839P, L855P, L952P, L948P, L942P, L992P, L873P.
Identifiers: ClinVar variation 645761 (VCV000645761.9), dbSNP rs1207536526, ClinGen allele CA385181168.